The following is an entry in ClinVar:

NM_001378454.1(ALMS1):c.1432+2T>A

Gene: ALMS1 (ALMS1 centrosome and basal body associated protein; plus strand). Cytogenetic location: 2p13.1.
Variant type: single nucleotide variant.
Coding change: c.1432+2T>A on transcript NM_001378454.1 (MANE Select); the canonical splice donor site of the intron after coding-DNA position 1432, T replaced by A.
Molecular consequence: splice donor variant.
Genome position (GRCh38, 1-based): chr2:73,432,293, T>A. VCF-style: chr2-73432293-T-A. GRCh37 (hg19) VCF-style: chr2-73659421-T-A.
Other names: c.1432+2T>A (NM_015120.4).
Identifiers: ClinVar variation 1066916 (VCV001066916.7), dbSNP rs2103734661, ClinGen allele CA347262725.

ClinVar aggregate classification (germline): Likely pathogenic (1 of 4 stars; one submission).

Conditions:
Alstrom syndrome (ALMS). Identifiers: Orphanet 64, MedGen C0268425, MONDO:0008763, OMIM 203800.

Submission:

Labcorp Genetics (formerly Invitae), Labcorp
Classification: Likely pathogenic for Alstrom syndrome. Last evaluated: 2020-03-10. Review status: criteria provided, single submitter. Criteria: Invitae Variant Classification Sherloc (09022015). Collection method: clinical testing. Allele origin: germline.
Comment: This sequence change affects a donor splice site in intron 7 of the ALMS1 gene. It is expected to disrupt RNA splicing and likely results in an absent or disrupted protein product. This variant is not present in population databases (ExAC no frequency). This variant has not been reported in the literature in individuals with ALMS1-related conditions. Donor and acceptor splice site variants typically lead to a loss of protein function (PMID: 16199547), and loss-of-function variants in ALMS1 are known to be pathogenic (PMID: 17594715). In summary, the currently available evidence indicates that the variant is pathogenic, but additional data are needed to prove that conclusively. Therefore, this variant has been classified as Likely Pathogenic. Experimental studies and prediction algorithms are not available or were not evaluated, and the effect of this variant on mRNA splicing is currently unknown.

Literature cited by the submitters: PubMed 16199547; PubMed 17594715.